The following is an entry in ClinVar:

NM_006129.5(BMP1):c.312dup (p.Gln105fs)

Gene: BMP1 (bone morphogenetic protein 1; plus strand). Cytogenetic location: 8p21.3.
Variant type: Duplication.
Coding change: c.312dup on transcript NM_006129.5 (MANE Select); coding-DNA position 312, one base duplicated (T; older notation c.312dupT).
Protein change: p.Gln105fs; shifts the reading frame from glutamine 105.
Molecular consequence: frameshift variant. On other transcripts: non-coding transcript variant (2).
Genome position (GRCh38, 1-based): chr8:22,176,192, T duplicated. VCF-style (leftmost placement, unchanged base first): chr8-22176191-C-CT. GRCh37 (hg19) VCF-style: chr8-22033704-C-CT.
Other names: c.312dup, p.Gln105fs (NM_001199.4); short protein forms Q105fs.
Identifiers: ClinVar variation 4808167 (VCV004808167.1).

ClinVar aggregate classification (germline): Pathogenic (1 of 4 stars; one submission).

Submission:

Labcorp Genetics (formerly Invitae), Labcorp
Classification: Pathogenic. Last evaluated: 2025-03-01. Review status: criteria provided, single submitter. Criteria: Invitae Variant Classification Sherloc (09022015). Collection method: clinical testing. Allele origin: germline.
Comment: This sequence change creates a premature translational stop signal (p.Gln105Serfs*11) in the BMP1 gene. It is expected to result in an absent or disrupted protein product. Loss-of-function variants in BMP1 are known to be pathogenic (PMID: 25656619, 27576954, 28257626). This variant is not present in population databases (gnomAD no frequency). This variant has not been reported in the literature in individuals affected with BMP1-related conditions. For these reasons, this variant has been classified as Pathogenic.

Literature cited by the submitters: PubMed 25656619; PubMed 27576954; PubMed 28257626.